The following is an entry in ClinVar:

ClinVar aggregate classification (germline): Uncertain significance (1 of 4 stars; one submission).

Conditions:
Progressive sclerosing poliodystrophy (MTDPS4A). Also called: ALPERS PROGRESSIVE INFANTILE POLIODYSTROPHY; NEURONAL DEGENERATION OF CHILDHOOD WITH LIVER DISEASE, PROGRESSIVE; Alpers Syndrome; ALPERS DIFFUSE DEGENERATION OF CEREBRAL GRAY MATTER WITH HEPATIC CIRRHOSIS; Alpers-Huttenlocher Syndrome; Mitochondrial DNA depletion syndrome 4A (Alpers type). Identifiers: Orphanet 726, MedGen C0205710, MONDO:0008758, OMIM 203700.

Allele frequency attached by ClinVar (database versions not stated): gnomAD exomes 0.00001.
gnomAD v4.1: 8 of 1,613,922 alleles (0.0005%); highest among the groups gnomAD compares: Non-Finnish European, 0.00068%; no homozygotes.

Submission:

Labcorp Genetics (formerly Invitae), Labcorp
Classification: Uncertain significance for Progressive sclerosing poliodystrophy. Last evaluated: 2024-03-02. Review status: criteria provided, single submitter. Criteria: Invitae Variant Classification Sherloc (09022015). Collection method: clinical testing. Allele origin: germline.
Comment: This sequence change replaces proline, which is neutral and non-polar, with arginine, which is basic and polar, at codon 256 of the POLG protein (p.Pro256Arg). This variant is present in population databases (no rsID available, gnomAD 0.0009%). This variant has not been reported in the literature in individuals affected with POLG-related conditions. Advanced modeling of protein sequence and biophysical properties (such as structural, functional, and spatial information, amino acid conservation, physicochemical variation, residue mobility, and thermodynamic stability) performed at Invitae indicates that this missense variant is not expected to disrupt POLG protein function with a negative predictive value of 95%. In summary, the available evidence is currently insufficient to determine the role of this variant in disease. Therefore, it has been classified as a Variant of Uncertain Significance.

NM_002693.3(POLG):c.767C>G (p.Pro256Arg)

Gene: POLG (DNA polymerase gamma, catalytic subunit; minus strand). Cytogenetic location: 15q26.1.
Variant type: single nucleotide variant.
Coding change: c.767C>G on transcript NM_002693.3 (MANE Select); coding-DNA position 767, C replaced by G.
Protein change: p.Pro256Arg; replaces proline 256 with arginine.
Molecular consequence: missense variant.
Genome position (GRCh38, 1-based): chr15:89,330,169, G>C on the plus strand (C>G on the coding strand, the complement: POLG is on the minus strand). VCF-style: chr15-89330169-G-C. GRCh37 (hg19) VCF-style: chr15-89873400-G-C.
Other names: c.767C>G, p.Pro256Arg (NM_001126131.2); short protein forms P256R.
Identifiers: ClinVar variation 2729896 (VCV002729896.3), dbSNP rs1240200135, ClinGen allele CA393766956.
Genomic context (GRCh38, chr15:89,330,169, plus strand): 5'-GCTCGGTCAAAGGAAACATTGTGCCCCACCACTAACTGCTCCTGCCAGTCTCTCTGGGTG[G>C]GGCTGCTGGCACCAGTAGGGACCTCCAGGGGGATGAGGTCAGCCGGCGACAGCTGGCTGG-3'
Protein context (NP_002684.1, residues 246-266): PLEVPTGASS[Pro256Arg]TQRDWQEQLV